The following is an entry in ClinVar:

NM_177438.3(DICER1):c.3944T>C (p.Leu1315Pro)

Gene: DICER1 (dicer 1, ribonuclease III; minus strand). Cytogenetic location: 14q32.13.
Variant type: single nucleotide variant.
Coding change: c.3944T>C on transcript NM_177438.3 (MANE Select); coding-DNA position 3944, T replaced by C.
Protein change: p.Leu1315Pro; replaces leucine 1315 with proline.
Molecular consequence: missense variant. On other transcripts: non-coding transcript variant (6).
Genome position (GRCh38, 1-based): chr14:95,103,452, A>G on the plus strand (T>C on the coding strand, the complement: DICER1 is on the minus strand). VCF-style: chr14-95103452-A-G. GRCh37 (hg19) VCF-style: chr14-95569789-A-G.
Other names: c.3944T>C, p.Leu1315Pro (NM_001195573.1, NM_001271282.3, NM_001291628.2 and 13 more transcripts); c.3662T>C, p.Leu1221Pro (NM_001395686.1); c.3539T>C, p.Leu1180Pro (NM_001395687.1, NM_001395688.1, NM_001395689.1 and 2 more transcripts); c.3377T>C, p.Leu1126Pro (NM_001395691.1); c.2261T>C, p.Leu754Pro (NM_001395697.1); short protein forms L1180P, L1315P, L1126P, L1221P, L754P.
Identifiers: ClinVar variation 2698507 (VCV002698507.3), dbSNP rs779909779, ClinGen allele CA7330968.

ClinVar aggregate classification (germline): Uncertain significance (1 of 4 stars; one submission).

Conditions:
DICER1-related tumor predisposition. Also called: DICER1-related pleuropulmonary blastoma cancer predisposition syndrome; DICER1 syndrome. Identifiers: Orphanet 284343, MedGen C3839822, MONDO:0100216.

Allele frequency attached by ClinVar (database versions not stated): ExAC 0.00002.
gnomAD v4.1: 4 of 1,614,218 alleles (0.00025%); highest among the groups gnomAD compares: South Asian, 0.0011%; no homozygotes.

Submission:

Labcorp Genetics (formerly Invitae), Labcorp
Classification: Uncertain significance for DICER1-related tumor predisposition. Last evaluated: 2023-11-24. Review status: criteria provided, single submitter. Criteria: Invitae Variant Classification Sherloc (09022015). Collection method: clinical testing. Allele origin: germline.
Comment: This sequence change replaces leucine, which is neutral and non-polar, with proline, which is neutral and non-polar, at codon 1315 of the DICER1 protein (p.Leu1315Pro). This variant is present in population databases (rs779909779, gnomAD 0.003%). This variant has not been reported in the literature in individuals affected with DICER1-related conditions. Advanced modeling of protein sequence and biophysical properties (such as structural, functional, and spatial information, amino acid conservation, physicochemical variation, residue mobility, and thermodynamic stability) performed at Invitae indicates that this missense variant is expected to disrupt DICER1 protein function with a positive predictive value of 80%. In summary, the available evidence is currently insufficient to determine the role of this variant in disease. Therefore, it has been classified as a Variant of Uncertain Significance.